The following is an entry in ClinVar:

ClinVar aggregate classification (germline): Pathogenic (0 of 4 stars; one submission).

Conditions:
Hereditary spastic paraplegia 11. Also called: SPASTIC PARAPLEGIA, AUTOSOMAL RECESSIVE, COMPLICATED, WITH THIN CORPUS CALLOSUM; SPASTIC PARAPLEGIA, AUTOSOMAL RECESSIVE, WITH MENTAL IMPAIRMENT AND THIN CORPUS CALLOSUM; Spastic paraplegia, mental retardation and thin corpus callosum; Spastic Paraplegia 11; Nakamura Osame syndrome; Autosomal recessive hereditary spastic paraplegia, mental impairment, and thin corpus callosum. Identifiers: Orphanet 2822, MedGen C1858479, MONDO:0011445, OMIM 604360.

Submission:

GeneReviews
Classification: Pathogenic for Spastic Paraplegia 11. Last evaluated: 2013-01-31. Review status: no assertion criteria provided. Collection method: curation. Allele origin: unknown.
ClinVar note: Converted during submission from pathologic to Pathogenic.

NM_025137.3:c.6754+4insTG

Gene: SPG11 (SPG11 vesicle trafficking associated, spatacsin; minus strand). Cytogenetic location: 15q21.1.
Variant type: Insertion.
Identifiers: ClinVar variation 41349 (VCV000041349.2).